The following is an entry in ClinVar:

NM_001330360.2(POLA1):c.1573A>G (p.Met525Val)

Gene: POLA1 (DNA polymerase alpha 1, catalytic subunit; plus strand). Cytogenetic location: Xp22.11.
Variant type: single nucleotide variant.
Coding change: c.1573A>G on transcript NM_001330360.2 (MANE Select); coding-DNA position 1573, A replaced by G.
Protein change: p.Met525Val; replaces methionine 525 with valine.
Molecular consequence: missense variant. On other transcripts: non-coding transcript variant (2).
Genome position (GRCh38, 1-based): chrX:24,727,823, A>G. VCF-style: chrX-24727823-A-G. GRCh37 (hg19) VCF-style: chrX-24745940-A-G.
Other names: c.1498A>G, p.Met500Val (NM_001378303.1); c.1555A>G, p.Met519Val (NM_016937.4); c.1555A>G (NM_016937.3); short protein forms M500V, M525V, M519V.
Identifiers: ClinVar variation 2037584 (VCV002037584.8), dbSNP rs757008969, ClinGen allele CA10372997.

ClinVar aggregate classification (germline): Conflicting classifications of pathogenicity. Review status: criteria provided, conflicting classifications (1 of 4 stars). 4 submissions from 4 submitters: Uncertain significance (1); Benign (1); Likely benign (2). Last evaluated 2025-12-08.

Conditions:
Inborn genetic diseases. Identifiers: MedGen C0950123, MeSH D030342.

Allele frequency attached by ClinVar (database versions not stated): gnomAD exomes 0.00005; gnomAD 0.00007; TOPMed 0.00008; ExAC 0.00010.
gnomAD v4.1: 63 of 1,206,837 alleles (0.0052%); highest among the groups gnomAD compares: Admixed American, 0.02%; no homozygotes.

Submissions (4):

Labcorp Genetics (formerly Invitae), Labcorp
Classification: Benign. Last evaluated: 2025-12-08. Review status: criteria provided, single submitter. Criteria: Invitae Variant Classification Sherloc (09022015). Collection method: clinical testing. Allele origin: germline.

Ambry Genetics
Classification: Likely benign for Inborn genetic diseases. Last evaluated: 2024-09-01. Review status: criteria provided, single submitter. Criteria: Ambry Variant Classification Scheme 2023. Collection method: clinical testing. Allele origin: germline.

Women's Health and Genetics/Laboratory Corporation of America, LabCorp
Classification: Uncertain significance. Last evaluated: 2024-02-26. Review status: criteria provided, single submitter. Criteria: LabCorp Variant Classification Summary - May 2015. Collection method: clinical testing. Allele origin: germline.
Comment: Variant summary: POLA1 c.1555A>G (p.Met519Val) results in a conservative amino acid change located in the DNA-directed DNA polymerase, family B, exonuclease domain (IPR006133) of the encoded protein sequence. Five of five in-silico tools predict a benign effect of the variant on protein function. The variant allele was found at a frequency of 7.7e-05 in 182840 control chromosomes. This frequency is not significantly higher than estimated for a pathogenic variant in POLA1 causing X-Linked Intellectual Disability, Van Esch Type, allowing no conclusion about variant significance. To our knowledge, no occurrence of c.1555A>G in individuals affected with X-Linked Intellectual Disability, Van Esch Type and no experimental evidence demonstrating its impact on protein function have been reported. ClinVar contains an entry for this variant (Variation ID: 2037584). Based on the evidence outlined above, the variant was classified as uncertain significance.

Blueprint Genetics
Classification: Likely benign. Last evaluated: 2022-09-09. Review status: criteria provided, single submitter. Criteria: ACMG Guidelines, 2015. Collection method: clinical testing. Allele origin: germline.